The following is an entry in ClinVar:

NM_007078.3(LDB3):c.281C>T (p.Pro94Leu)

Gene: LDB3 (LIM domain binding 3; plus strand). Cytogenetic location: 10q23.2.
Variant type: single nucleotide variant.
Coding change: c.281C>T on transcript NM_007078.3 (MANE Select); coding-DNA position 281, C replaced by T.
Protein change: p.Pro94Leu; replaces proline 94 with leucine.
Molecular consequence: missense variant.
Genome position (GRCh38, 1-based): chr10:86,680,117, C>T. VCF-style: chr10-86680117-C-T. GRCh37 (hg19) VCF-style: chr10-88439874-C-T.
Other names: c.281C>T, p.Pro94Leu (NM_001080114.2, NM_001080115.2, NM_001171610.2 and 8 more transcripts); c.281C>T (NM_007078.2); short protein forms P94L.
Identifiers: ClinVar variation 853598 (VCV000853598.17), dbSNP rs772912790, ClinGen allele CA5584637.

ClinVar aggregate classification (germline): Conflicting classifications of pathogenicity. Review status: criteria provided, conflicting classifications (1 of 4 stars). 5 submissions from 5 submitters: Uncertain significance (4); Likely benign (1). Last evaluated 2025-08-31.

Conditions:
Myofibrillar myopathy 4. Also called: Zaspopathy (type). Identifiers: Orphanet 98912, MedGen C4721886, MONDO:0012277, OMIM 609452.
Cardiovascular phenotype. Identifiers: MedGen CN230736.

Allele frequency attached by ClinVar (database versions not stated): gnomAD 0.00001; gnomAD exomes 0.00001 and 0.00002; ExAC 0.00002; TOPMed 0.00004.
gnomAD v4.1: 26 of 1,614,120 alleles (0.0016%); highest among the groups gnomAD compares: Middle Eastern, 0.033%; no homozygotes.

Submissions (5):

Labcorp Genetics (formerly Invitae), Labcorp
Classification: Uncertain significance for Myofibrillar myopathy 4. Last evaluated: 2025-08-31. Review status: criteria provided, single submitter. Criteria: Invitae Variant Classification Sherloc (09022015). Collection method: clinical testing. Allele origin: germline.
Comment: This sequence change replaces proline, which is neutral and non-polar, with leucine, which is neutral and non-polar, at codon 94 of the LDB3 protein (p.Pro94Leu). This variant is present in population databases (rs772912790, gnomAD 0.003%). This variant has not been reported in the literature in individuals affected with LDB3-related conditions. ClinVar contains an entry for this variant (Variation ID: 853598). An algorithm developed to predict the effect of missense changes on protein structure and function (PolyPhen-2) suggests that this variant is likely to be disruptive. In summary, the available evidence is currently insufficient to determine the role of this variant in disease. Therefore, it has been classified as a Variant of Uncertain Significance.

Blueprint Genetics
Classification: Likely benign. Last evaluated: 2024-11-17. Review status: criteria provided, single submitter. Criteria: ACMG Guidelines, 2015. Collection method: clinical testing. Allele origin: germline.

Ambry Genetics
Classification: Uncertain significance for Cardiovascular phenotype. Last evaluated: 2024-11-04. Review status: criteria provided, single submitter. Criteria: Ambry Variant Classification Scheme 2023. Collection method: clinical testing. Allele origin: germline.
Comment: The p.P94L variant (also known as c.281C>T), located in coding exon 3 of the LDB3 gene, results from a C to T substitution at nucleotide position 281. The proline at codon 94 is replaced by leucine, an amino acid with similar properties. This amino acid position is highly conserved in available vertebrate species. In addition, this alteration is predicted to be tolerated by in silico analysis. Based on the available evidence, the clinical significance of this variant remains unclear.

Women's Health and Genetics/Laboratory Corporation of America, LabCorp
Classification: Uncertain significance. Last evaluated: 2023-04-17. Review status: criteria provided, single submitter. Criteria: LabCorp Variant Classification Summary - May 2015. Collection method: clinical testing. Allele origin: germline.

Revvity Omics, Revvity
Classification: Uncertain significance. Last evaluated: 2022-06-14. Review status: criteria provided, single submitter. Criteria: ACMG Guidelines, 2015. Collection method: clinical testing. Allele origin: germline.